The following is an entry in ClinVar:

NM_006767.4(LZTR1):c.1331del (p.Asp444fs)

Gene: LZTR1 (leucine zipper like post translational regulator 1; plus strand). Cytogenetic location: 22q11.21.
Variant type: Deletion.
Coding change: c.1331del on transcript NM_006767.4 (MANE Select); coding-DNA position 1331, one base deleted (A; older notation c.1331delA).
Protein change: p.Asp444fs; shifts the reading frame from aspartic acid 444.
Molecular consequence: frameshift variant.
Genome position (GRCh38, 1-based): chr22:20,993,732, A deleted. VCF-style (leftmost placement, unchanged base first): chr22-20993731-GA-G. GRCh37 (hg19) VCF-style: chr22-21348020-GA-G.
Other names: short protein forms D444fs.
Identifiers: ClinVar variation 3001637 (VCV003001637.3), dbSNP rs2518620038, ClinGen allele CA2740094791.
Genomic context (GRCh38, chr22:20,993,731, plus strand): 5'-TACCCTAAATGCACGCTGCACGAGGACTACGGGCGGCTGTGGGAGAGCCGCCAGTTCTGC[GA>G]CGTGGAGTTCGTGCTGGGTGAGGTGGGTGCCTGTCCTCGCACCCTGCTCTGCCTGCTGTG-3'

ClinVar aggregate classification (germline): Pathogenic (1 of 4 stars; one submission).

Submission:

Labcorp Genetics (formerly Invitae), Labcorp
Classification: Pathogenic. Last evaluated: 2024-06-17. Review status: criteria provided, single submitter. Criteria: Invitae Variant Classification Sherloc (09022015). Collection method: clinical testing. Allele origin: germline.
Comment: This sequence change creates a premature translational stop signal (p.Asp444Alafs*17) in the LZTR1 gene. It is expected to result in an absent or disrupted protein product. Loss-of-function variants in LZTR1 are known to be pathogenic (PMID: 24362817, 25335493, 25480913, 25795793, 29469822, 30368668, 30442762, 30442766, 30481304, 30859559). This variant is not present in population databases (gnomAD no frequency). This variant has not been reported in the literature in individuals affected with LZTR1-related conditions. For these reasons, this variant has been classified as Pathogenic.

Literature cited by the submitters: PubMed 24362817; PubMed 25335493; PubMed 25480913; PubMed 25795793; PubMed 29469822; PubMed 30368668; PubMed 30442762; PubMed 30442766; PubMed 30481304; PubMed 30859559.